The following is an entry in ClinVar:

NM_001148.6(ANK2):c.9393T>G (p.Phe3131Leu)

Gene: ANK2 (ankyrin 2; plus strand). Cytogenetic location: 4q26.
Variant type: single nucleotide variant.
Coding change: c.9393T>G on transcript NM_001148.6 (MANE Select); coding-DNA position 9393, T replaced by G.
Protein change: p.Phe3131Leu; replaces phenylalanine 3131 with leucine.
Molecular consequence: missense variant. On other transcripts: intron variant (68).
Genome position (GRCh38, 1-based): chr4:113,358,011, T>G. VCF-style: chr4-113358011-T-G. GRCh37 (hg19) VCF-style: chr4-114279167-T-G.
Other names: c.9159T>G, p.Phe3053Leu (NM_001386142.1); c.5793T>G, p.Phe1931Leu (NM_001386166.1); c.9534T>G, p.Phe3178Leu (NM_001386174.1); c.9510T>G, p.Phe3170Leu (NM_001386175.1); c.4412-2812T>G (NM_001386186.2, NM_001386148.2); c.4214-2812T>G (NM_001354269.3); c.4292-2812T>G (NM_001386187.2); c.4253-2812T>G (NM_001386147.1); and 35 more; short protein forms F1931L, F3053L, F3131L, F3170L, F3178L.
Identifiers: ClinVar variation 1691658 (VCV001691658.4), dbSNP rs1158891229, ClinGen allele CA357937313.
Genomic context (GRCh38, chr4:113,358,011, plus strand): 5'-GACCCGAAGTGGTGCCATTGATATGACCAAAAGGTCCTATGCAGATGAAAGTTTTCACTT[T>G]TTCCAAATTGGTCAAGAATCCAGGGAAGAGACTCTCTCTGAAGATGTGAAAGAAGGGGCT-3'
Protein context (NP_001139.3, residues 3121-3141): KRSYADESFH[Phe3131Leu]FQIGQESREE

ClinVar aggregate classification (germline): Uncertain significance (1 of 4 stars; one submission).

Allele frequency attached by ClinVar (database versions not stated): gnomAD exomes below 0.00001; TOPMed below 0.00001.
gnomAD v4.1: 1 of 1,614,042 alleles (0.000062%); highest among the groups gnomAD compares: Admixed American, 0.0017%; no homozygotes.

Submission:

GeneDx
Classification: Uncertain significance. Last evaluated: 2023-03-30. Review status: criteria provided, single submitter. Criteria: GeneDx Variant Classification Process June 2021. Collection method: clinical testing. Allele origin: germline. Affected: yes.
Comment: Not observed at significant frequency in large population cohorts (gnomAD); In silico analysis supports that this missense variant has a deleterious effect on protein structure/function; Has not been previously published as pathogenic or benign to our knowledge; Located in exon 38, which is reported as being expressed in a brain-specific transcript (Otto et al, 1991; Cunha et al, 2008; Wu et al, 2015); This variant is associated with the following publications: (PMID: 1830053, 18790697, 26109584)